The following is an entry in ClinVar:

ClinVar aggregate classification (germline): Conflicting classifications of pathogenicity. Review status: criteria provided, conflicting classifications (1 of 4 stars). 4 submissions from 4 submitters: Uncertain significance (3); Likely benign (1). Last evaluated 2025-12-14.

Conditions:
Inborn genetic diseases. Identifiers: MedGen C0950123, MeSH D030342.
Retinitis pigmentosa (RP). Identifiers: Orphanet 791, MedGen C0035334, MeSH D012174, MONDO:0019200, OMIM 268000. Inheritance: Autosomal dominant, autosomal recessive and X linked inheritance.

Allele frequency attached by ClinVar (database versions not stated): TOPMed 0.00011; 1000 Genomes Project 30x 0.00016; 1000 Genomes Project 0.00020; ExAC 0.00007; gnomAD 0.00007 and 0.00008; gnomAD exomes 0.00008.
gnomAD v4.1: 109 of 1,614,122 alleles (0.0068%); highest among the groups gnomAD compares: Middle Eastern, 0.13%; 1 homozygote.

Submissions (4):

Research Institute for Ophthalmology and Vision Science, Shahid Beheshti University of Medical Sciences
Classification: Uncertain significance for Retinitis pigmentosa. Last evaluated: 2025-12-14. Review status: criteria provided, single submitter. Criteria: ACMG Guidelines, 2015. Collection method: research. Allele origin: inherited. Inheritance: Autosomal recessive inheritance. Affected: yes.
Comment: NM_015047.3(EMC1):c.912G>T has low frequency in gnomAD databases. It has been found in a homozygous state in patients and co-segregates with the disease in affected family members.

Labcorp Genetics (formerly Invitae), Labcorp
Classification: Uncertain significance. Last evaluated: 2024-11-18. Review status: criteria provided, single submitter. Criteria: Invitae Variant Classification Sherloc (09022015). Collection method: clinical testing. Allele origin: germline.
Comment: This sequence change replaces glutamine, which is neutral and polar, with histidine, which is basic and polar, at codon 304 of the EMC1 protein (p.Gln304His). This variant is present in population databases (rs537594873, gnomAD 0.04%). This variant has not been reported in the literature in individuals affected with EMC1-related conditions. ClinVar contains an entry for this variant (Variation ID: 970156). Invitae Evidence Modeling of protein sequence and biophysical properties (such as structural, functional, and spatial information, amino acid conservation, physicochemical variation, residue mobility, and thermodynamic stability) indicates that this missense variant is not expected to disrupt EMC1 protein function with a negative predictive value of 80%. In summary, the available evidence is currently insufficient to determine the role of this variant in disease. Therefore, it has been classified as a Variant of Uncertain Significance.

Ambry Genetics
Classification: Likely benign for Inborn genetic diseases. Last evaluated: 2022-10-26. Review status: criteria provided, single submitter. Criteria: Ambry Variant Classification Scheme 2023. Collection method: clinical testing. Allele origin: germline.

Breakthrough Genomics
Classification: Uncertain significance. Review status: criteria provided, single submitter. Criteria: ACMG Guidelines, 2015. Collection method: not provided. Allele origin: germline. Inheritance: Autosomal recessive inheritance. Affected: yes.

NM_015047.3(EMC1):c.912G>T (p.Gln304His)

Genes: EMC1 (ER membrane protein complex subunit 1; minus strand), EMC1-AS1 (EMC1 antisense RNA 1; plus strand). Cytogenetic location: 1p36.13.
Variant type: single nucleotide variant.
Coding change: c.912G>T on transcript NM_015047.3 (MANE Select); coding-DNA position 912, G replaced by T.
Protein change: p.Gln304His; replaces glutamine 304 with histidine.
Molecular consequence: missense variant.
Genome position (GRCh38, 1-based): chr1:19,239,860, C>A on the plus strand (G>T on the coding strand, the complement: EMC1 is on the minus strand). VCF-style: chr1-19239860-C-A. GRCh37 (hg19) VCF-style: chr1-19566354-C-A.
Other names: c.912G>T (NM_015047.1); c.912G>T, p.Gln304His (NM_001271427.2, NM_001271428.2, NM_001375820.1 and 1 more transcripts); c.846G>T, p.Gln282His (NM_001271429.2); short protein forms Q282H, Q304H.
Identifiers: ClinVar variation 970156 (VCV000970156.9), dbSNP rs537594873, ClinGen allele CA652757.
Genomic context (GRCh38, chr1:19,239,860, plus strand): 5'-CATGTTGCCTGCAGTTACCTGTGGGAAGTTTTTAAGCAAACTCAGCGTTCCATAATGGTA[C>A]TGCAGCAGAGCATAGTGGCTTGGGGACAAGTGCAGGAAGAACTGGGCCCGGGAAGCGTCC-3'
Protein context (NP_055862.1, residues 294-314): HLSPSHYALL[Gln304His]YHYGTLSLLK